The following is an entry in ClinVar:

NM_007294.4(BRCA1):c.5193+17A>T

Gene: BRCA1 (BRCA1 DNA repair associated; minus strand). Cytogenetic location: 17q21.31.
Variant type: single nucleotide variant.
Coding change: c.5193+17A>T on transcript NM_007294.4 (MANE Select); 17 bases into the intron after coding-DNA position 5193, A replaced by T.
Molecular consequence: intron variant.
Genome position (GRCh38, 1-based): chr17:43,063,316, T>A on the plus strand (A>T on the coding strand, the complement: BRCA1 is on the minus strand). VCF-style: chr17-43063316-T-A. GRCh37 (hg19) VCF-style: chr17-41215333-T-A.
Other names: c.1740+17A>T (NM_001408458.1, NM_001408461.1, NM_001408464.1 and 7 more transcripts); c.4302+17A>T (NM_001407967.1); c.4812+17A>T (NM_001407959.1); c.4926+17A>T (NM_001407931.1, NM_001407932.1, NM_001407928.1 and 4 more transcripts); c.5049+17A>T (NM_001407747.1, NM_001407745.1, NM_001407737.1 and 21 more transcripts); c.4809+17A>T (NM_001407962.1, NM_001407960.1); c.1380+17A>T (NM_001408512.1); c.1503+17A>T (NM_001408510.1); and 72 more.
Identifiers: ClinVar variation 865126 (VCV000865126.3), dbSNP rs2051850053, ClinGen allele CA916080004.

Conditions:
Breast-ovarian cancer, familial, susceptibility to, 1 (BROVCA1). Also called: BRCA1 Hereditary Breast and Ovarian Cancer; OVARIAN CANCER, SUSCEPTIBILITY TO. Identifiers: Orphanet 145, MedGen C2676676, MONDO:0011450, OMIM 604370. Disease mechanism: loss of function.

Submission:

Brotman Baty Institute, University of Washington
No classification provided (evidence only). Condition: Breast-ovarian cancer, familial 1. Review status: no classification provided. Collection method: in vitro. Allele origin: not applicable. Functional consequence: functionally_normal.
ClinVar note: "not provided" was previously submitted as the classification for the variant. However, the classification appeared to be based only on an observation of functional data so it was converted to no classification on 2025-07-30.